The following is an entry in ClinVar:

NM_001013838.3(CARMIL2):c.4256G>A (p.Arg1419Gln)

Gene: CARMIL2 (capping protein regulator and myosin 1 linker 2; plus strand). Cytogenetic location: 16q22.1.
Variant type: single nucleotide variant.
Coding change: c.4256G>A on transcript NM_001013838.3 (MANE Select); coding-DNA position 4256, G replaced by A.
Protein change: p.Arg1419Gln; replaces arginine 1419 with glutamine.
Molecular consequence: missense variant.
Genome position (GRCh38, 1-based): chr16:67,657,466, G>A. VCF-style: chr16-67657466-G-A. GRCh37 (hg19) VCF-style: chr16-67691369-G-A.
Other names: c.4067G>A, p.Arg1356Gln (NM_001317026.3); short protein forms R1356Q, R1419Q.
Identifiers: ClinVar variation 1410782 (VCV001410782.7), dbSNP rs368493105, ClinGen allele CA8114314.

ClinVar aggregate classification (germline): Uncertain significance (1 of 4 stars; one submission).

Allele frequency attached by ClinVar (database versions not stated): ExAC 0.00002; gnomAD 0.00002; TOPMed 0.00002; gnomAD exomes 0.00003; ESP Exome Variant Server 0.00008.
gnomAD v4.1: 41 of 1,611,294 alleles (0.0025%); highest among the groups gnomAD compares: African/African-American, 0.004%; no homozygotes.

Submission:

Labcorp Genetics (formerly Invitae), Labcorp
Classification: Uncertain significance. Last evaluated: 2025-11-03. Review status: criteria provided, single submitter. Criteria: Invitae Variant Classification Sherloc (09022015). Collection method: clinical testing. Allele origin: germline.
Comment: This sequence change replaces arginine, which is basic and polar, with glutamine, which is neutral and polar, at codon 1419 of the CARMIL2 protein (p.Arg1419Gln). This variant is present in population databases (rs368493105, gnomAD 0.02%). This variant has not been reported in the literature in individuals affected with CARMIL2-related conditions. ClinVar contains an entry for this variant (Variation ID: 1410782). An algorithm developed to predict the effect of missense changes on protein structure and function outputs the following: PolyPhen-2: "Benign". The glutamine amino acid residue is found in multiple mammalian species, which suggests that this missense change does not adversely affect protein function. In summary, the available evidence is currently insufficient to determine the role of this variant in disease. Therefore, it has been classified as a Variant of Uncertain Significance.